The following is an entry in ClinVar:

NM_054012.4(ASS1):c.1107_1108del (p.Tyr370fs)

Gene: ASS1 (argininosuccinate synthase 1; plus strand). Cytogenetic location: 9q34.11.
Variant type: Microsatellite.
Coding change: c.1107_1108del on transcript NM_054012.4 (MANE Select); coding-DNA positions 1107 to 1108, 2 bases deleted (CT; older notation c.1107_1108delCT).
Protein change: p.Tyr370fs; shifts the reading frame from tyrosine 370.
Molecular consequence: frameshift variant.
Genome position (GRCh38, 1-based): chr9:130,495,003-130,495,004, CT deleted; deleting any 2 consecutive bases within chr9:130,494,998-130,495,004 gives the same sequence; the c. name uses the placement nearest the transcript's 3' end. VCF-style (leftmost placement, unchanged base first): chr9-130494997-GTC-G. GRCh37 (hg19) VCF-style: chr9-133370384-GTC-G.
Other names: c.1107_1108del, p.Tyr370fs (NM_000050.4); short protein forms Y370fs.
Identifiers: ClinVar variation 1072613 (VCV001072613.14), dbSNP rs2118880626, ClinGen allele CA2580617111.

ClinVar aggregate classification (germline): Pathogenic (1 of 4 stars; one submission).

Conditions:
Citrullinemia. Identifiers: Orphanet 187, MedGen C0175683, MONDO:0015991.

Submission:

Labcorp Genetics (formerly Invitae), Labcorp
Classification: Pathogenic for Citrullinemia. Last evaluated: 2020-02-10. Review status: criteria provided, single submitter. Criteria: Invitae Variant Classification Sherloc (09022015). Collection method: clinical testing. Allele origin: germline.
Comment: For these reasons, this variant has been classified as Pathogenic. Loss-of-function variants in ASS1 are known to be pathogenic (PMID: 18473344, 19006241). This variant has been observed in individual(s) with citrullinemia type I (Invitae). This variant is not present in population databases (ExAC no frequency). This sequence change creates a premature translational stop signal (p.Tyr370Glnfs*2) in the ASS1 gene. It is expected to result in an absent or disrupted protein product.

Literature cited by the submitters: PubMed 18473344; PubMed 19006241.